The following is an entry in ClinVar:

ClinVar aggregate classification (germline): Likely pathogenic. Review status: criteria provided, multiple submitters, no conflicts (2 of 4 stars). 2 submissions from 2 submitters: Likely pathogenic (2). Last evaluated 2024-04-05.

Conditions:
Fanconi anemia (FA). Also called: Fanconi's anemia. Identifiers: Orphanet 84, MedGen C0015625, MeSH D005199, MONDO:0019391.
Fanconi anemia complementation group C (FANCC). Also called: FANCC-Related Fanconi Anemia; Fanconi anemia, group C; FANCONI PANCYTOPENIA, TYPE 3; FACC. Identifiers: Orphanet 84, MedGen C3468041, MONDO:0009213, OMIM 227645.

Allele frequency attached by ClinVar (database versions not stated): TOPMed below 0.00001.

Submissions (2):

Fulgent Genetics
Classification: Likely pathogenic for Fanconi anemia complementation group C. Last evaluated: 2024-04-05. Review status: criteria provided, single submitter. Criteria: ACMG Guidelines, 2015. Collection method: clinical testing. Allele origin: germline.

Labcorp Genetics (formerly Invitae), Labcorp
Classification: Likely pathogenic for Fanconi anemia. Last evaluated: 2021-05-19. Review status: criteria provided, single submitter. Criteria: Invitae Variant Classification Sherloc (09022015). Collection method: clinical testing. Allele origin: germline.
Comment: In summary, the currently available evidence indicates that the variant is pathogenic, but additional data are needed to prove that conclusively. Therefore, this variant has been classified as Likely Pathogenic. Algorithms developed to predict the effect of sequence changes on RNA splicing suggest that this variant may disrupt the consensus splice site, but this prediction has not been confirmed by published transcriptional studies. This variant has not been reported in the literature in individuals with FANCC-related conditions. This variant is not present in population databases (ExAC no frequency). This sequence change affects a donor splice site in intron 9 of the FANCC gene. It is expected to disrupt RNA splicing. Variants that disrupt the donor or acceptor splice site typically lead to a loss of protein function (PMID: 16199547), and loss-of-function variants in FANCC are known to be pathogenic (PMID: 17924555).

Literature cited by the submitters: PubMed 16199547 (cited by Labcorp Genetics (formerly Invitae), Labcorp); PubMed 17924555 (cited by Labcorp Genetics (formerly Invitae), Labcorp).

NM_000136.3(FANCC):c.896+2T>A

Genes: AOPEP (aminopeptidase O (putative); plus strand), FANCC (FA complementation group C; minus strand). Cytogenetic location: 9q22.32.
Variant type: single nucleotide variant.
Coding change: c.896+2T>A on transcript NM_000136.3 (MANE Select); the canonical splice donor site of the intron after coding-DNA position 896, T replaced by A.
Molecular consequence: splice donor variant.
Genome position (GRCh38, 1-based): chr9:95,126,527, A>T on the plus strand (T>A on the coding strand, the complement: FANCC is on the minus strand). VCF-style: chr9-95126527-A-T. GRCh37 (hg19) VCF-style: chr9-97888809-A-T.
Other names: c.896+2T>A (NM_001243743.2, NM_001243744.2).
Identifiers: ClinVar variation 1522913 (VCV001522913.9), dbSNP rs863224441, ClinGen allele CA196557029.